The following is an entry in ClinVar:

ClinVar aggregate classification (germline): Pathogenic (3 of 4 stars; one submission).

Conditions:
Breast-ovarian cancer, familial, susceptibility to, 2 (BROVCA2). Also called: BRCA2 Hereditary Breast and Ovarian Cancer. Identifiers: Orphanet 145, MedGen C2675520, MONDO:0012933, OMIM 612555. Disease mechanism: loss of function.

Submission:

Evidence-based Network for the Interpretation of Germline Mutant Alleles (ENIGMA)
Classification: Pathogenic for Breast-ovarian cancer, familial, susceptibility to, 2. Last evaluated: 2016-09-08. Review status: reviewed by expert panel. Criteria: ENIGMA BRCA1/2 Classification Criteria (2015). Collection method: curation. Allele origin: germline.
Comment: Variant allele predicted to encode a truncated non-functional protein.

NM_000059.4(BRCA2):c.2364del (p.Glu790fs)

Gene: BRCA2 (BRCA2 DNA repair associated; plus strand). Cytogenetic location: 13q13.1.
Variant type: Deletion.
Coding change: c.2364del on transcript NM_000059.4 (MANE Select); coding-DNA position 2364, one base deleted (C; older notation c.2364delC).
Protein change: p.Glu790fs; shifts the reading frame from glutamic acid 790.
Molecular consequence: frameshift variant.
Genome position (GRCh38, 1-based): chr13:32,336,719, C deleted. VCF-style (leftmost placement, unchanged base first): chr13-32336718-GC-G. GRCh37 (hg19) VCF-style: chr13-32910855-GC-G.
Other names: c.2364delC (NM_000059.3); short protein forms E790fs.
Identifiers: ClinVar variation 254502 (VCV000254502.2), dbSNP rs886038074, ClinGen allele CA10586501.